The following is an entry in ClinVar:

NM_002156.5(HSPD1):c.649A>G (p.Met217Val)

Gene: HSPD1 (heat shock protein family D (Hsp60) member 1; minus strand). Cytogenetic location: 2q33.1.
Variant type: single nucleotide variant.
Coding change: c.649A>G on transcript NM_002156.5 (MANE Select); coding-DNA position 649, A replaced by G.
Protein change: p.Met217Val; replaces methionine 217 with valine.
Molecular consequence: missense variant.
Genome position (GRCh38, 1-based): chr2:197,494,208, T>C on the plus strand (A>G on the coding strand, the complement: HSPD1 is on the minus strand). VCF-style: chr2-197494208-T-C. GRCh37 (hg19) VCF-style: chr2-198358932-T-C.
Other names: c.649A>G, p.Met217Val (NM_199440.2); short protein forms M217V.
Identifiers: ClinVar variation 2419910 (VCV002419910.6), dbSNP rs2470117491, ClinGen allele CA350201954.

ClinVar aggregate classification (germline): Uncertain significance (1 of 4 stars; one submission).

Conditions:
Spastic paraplegia. Identifiers: MedGen C0037772, HP:0001258.

Allele frequency attached by ClinVar (database versions not stated): gnomAD exomes below 0.00001.
gnomAD v4.1: 3 of 1,565,104 alleles (0.00019%); highest among the groups gnomAD compares: African/African-American, 0.0027%; no homozygotes.

Submission:

Labcorp Genetics (formerly Invitae), Labcorp
Classification: Uncertain significance for Spastic paraplegia. Last evaluated: 2024-10-17. Review status: criteria provided, single submitter. Criteria: Invitae Variant Classification Sherloc (09022015). Collection method: clinical testing. Allele origin: germline.
Comment: This sequence change replaces methionine, which is neutral and non-polar, with valine, which is neutral and non-polar, at codon 217 of the HSPD1 protein (p.Met217Val). This variant is not present in population databases (gnomAD no frequency). This variant has not been reported in the literature in individuals affected with HSPD1-related conditions. ClinVar contains an entry for this variant (Variation ID: 2419910). Invitae Evidence Modeling of protein sequence and biophysical properties (such as structural, functional, and spatial information, amino acid conservation, physicochemical variation, residue mobility, and thermodynamic stability) indicates that this missense variant is not expected to disrupt HSPD1 protein function with a negative predictive value of 80%. In summary, the available evidence is currently insufficient to determine the role of this variant in disease. Therefore, it has been classified as a Variant of Uncertain Significance.